The following is an entry in ClinVar:

NM_001365536.1(SCN9A):c.2629G>A (p.Val877Ile)

Genes: SCN1A-AS1 (SCN1A and SCN9A antisense RNA 1; plus strand), SCN9A (sodium voltage-gated channel alpha subunit 9; minus strand). Cytogenetic location: 2q24.3.
Variant type: single nucleotide variant.
Coding change: c.2629G>A on transcript NM_001365536.1 (MANE Select); coding-DNA position 2629, G replaced by A.
Protein change: p.Val877Ile; replaces valine 877 with isoleucine.
Molecular consequence: missense variant. On other transcripts: non-coding transcript variant (1).
Genome position (GRCh38, 1-based): chr2:166,277,228, C>T on the plus strand (G>A on the coding strand, the complement: SCN9A is on the minus strand). VCF-style: chr2-166277228-C-T. GRCh37 (hg19) VCF-style: chr2-167133738-C-T.
Other names: c.2596G>A, p.Val866Ile (NM_002977.4); short protein forms V866I, V877I.
Identifiers: ClinVar variation 1056690 (VCV001056690.9), dbSNP rs529022680, ClinGen allele CA1944229.

ClinVar aggregate classification (germline): Uncertain significance (1 of 4 stars; one submission).

Conditions:
Generalized epilepsy with febrile seizures plus, type 7 (GEFSP7). Also called: GEFS+, TYPE 7. Identifiers: Orphanet 36387, MedGen C2751778, MONDO:0013470, OMIM 613863.
Neuropathy, hereditary sensory and autonomic, type 2A (HSAN2A). Also called: HSAN IIA; ACROOSTEOLYSIS, GIACCAI TYPE; ACROOSTEOLYSIS, NEUROGENIC; MORVAN DISEASE; NEUROPATHY, CONGENITAL SENSORY; NEUROPATHY, HEREDITARY SENSORY RADICULAR, AUTOSOMAL RECESSIVE. Identifiers: Orphanet 970, MedGen C2752089, MONDO:0024309, OMIM 201300.

Submission:

Labcorp Genetics (formerly Invitae), Labcorp
Classification: Uncertain significance for Neuropathy, hereditary sensory and autonomic, type 2A; Generalized epilepsy with febrile seizures plus, type 7. Last evaluated: 2025-11-24. Review status: criteria provided, single submitter. Criteria: Invitae Variant Classification Sherloc (09022015). Collection method: clinical testing. Allele origin: germline.
Comment: This sequence change replaces valine, which is neutral and non-polar, with isoleucine, which is neutral and non-polar, at codon 866 of the SCN9A protein (p.Val866Ile). This variant is present in population databases (rs529022680, gnomAD 0.004%). This variant has not been reported in the literature in individuals affected with SCN9A-related conditions. ClinVar contains an entry for this variant (Variation ID: 1056690). Invitae Evidence Modeling of protein sequence and biophysical properties (such as structural, functional, and spatial information, amino acid conservation, physicochemical variation, residue mobility, and thermodynamic stability) indicates that this missense variant is not expected to disrupt SCN9A protein function with a negative predictive value of 95%. In summary, the available evidence is currently insufficient to determine the role of this variant in disease. Therefore, it has been classified as a Variant of Uncertain Significance.